The following is an entry in ClinVar:

NM_020937.4(FANCM):c.1297G>A (p.Ala433Thr)

Gene: FANCM (FA complementation group M; plus strand). Cytogenetic location: 14q21.2.
Variant type: single nucleotide variant.
Coding change: c.1297G>A on transcript NM_020937.4 (MANE Select); coding-DNA position 1297, G replaced by A.
Protein change: p.Ala433Thr; replaces alanine 433 with threonine.
Molecular consequence: missense variant.
Genome position (GRCh38, 1-based): chr14:45,154,810, G>A. VCF-style: chr14-45154810-G-A. GRCh37 (hg19) VCF-style: chr14-45624013-G-A.
Other names: c.1219G>A, p.Ala407Thr (NM_001308133.2); c.1297G>A, p.Ala433Thr (NM_001308134.2); short protein forms A407T, A433T.
Identifiers: ClinVar variation 4723821 (VCV004723821.1).

ClinVar aggregate classification (germline): Uncertain significance (1 of 4 stars; one submission).

Conditions:
Fanconi anemia (FA). Also called: Fanconi's anemia. Identifiers: Orphanet 84, MedGen C0015625, MeSH D005199, MONDO:0019391.

Submission:

Labcorp Genetics (formerly Invitae), Labcorp
Classification: Uncertain significance for Fanconi anemia. Last evaluated: 2025-07-23. Review status: criteria provided, single submitter. Criteria: Invitae Variant Classification Sherloc (09022015). Collection method: clinical testing. Allele origin: germline.
Comment: This sequence change replaces alanine, which is neutral and non-polar, with threonine, which is neutral and polar, at codon 433 of the FANCM protein (p.Ala433Thr). This variant is not present in population databases (gnomAD no frequency). This variant has not been reported in the literature in individuals affected with FANCM-related conditions. An algorithm developed to predict the effect of missense changes on protein structure and function outputs the following: PolyPhen-2: "Benign". The threonine amino acid residue is found in multiple mammalian species, which suggests that this missense change does not adversely affect protein function. In summary, the available evidence is currently insufficient to determine the role of this variant in disease. Therefore, it has been classified as a Variant of Uncertain Significance.